The following is an entry in ClinVar:

NM_001375808.2(LPIN2):c.2091G>A (p.Ser697=)

Gene: LPIN2 (lipin 2; minus strand). Cytogenetic location: 18p11.31.
Variant type: single nucleotide variant.
Coding change: c.2091G>A on transcript NM_001375808.2 (MANE Select); coding-DNA position 2091, G replaced by A.
Protein change: p.Ser697=; no amino-acid change (serine 697 retained).
Molecular consequence: synonymous variant.
Genome position (GRCh38, 1-based): chr18:2,923,858, C>T on the plus strand (G>A on the coding strand, the complement: LPIN2 is on the minus strand). VCF-style: chr18-2923858-C-T. GRCh37 (hg19) VCF-style: chr18-2923856-C-T.
Other names: c.2091G>A, p.Ser697= (NM_001375809.1, NM_014646.2).
Identifiers: ClinVar variation 851843 (VCV000851843.12), dbSNP rs767788156, ClinGen allele CA8872844.
Genomic context (GRCh38, chr18:2,923,858, plus strand): 5'-TGCTATACCCTGGTGGGTCCAGTCTTTGCCCAGCTGTGGGAGAATCTGTCCCAAAGCATC[C>T]GACCTAAGAAGACGGTAGAAACAGGAAAAGCTATCAGGAATCAAACACATACAGCGTTTT-3'
Protein context (NP_001362737.1, residues 687-707): ISDIDGTITK[Ser697=]DALGQILPQL

ClinVar aggregate classification (germline): Likely benign. Review status: criteria provided, multiple submitters, no conflicts (2 of 4 stars). 3 submissions from 3 submitters: Likely benign (3). Last evaluated 2026-07-29.

Conditions:
LPIN2-related disorder. Also called: LPIN2-related condition.
Majeed syndrome (MJDS). Also called: LPIN2-Related Majeed Syndrome; CHRONIC RECURRENT MULTIFOCAL OSTEOMYELITIS 1, WITH CONGENITAL DYSERYTHROPOIETIC ANEMIA, WITH OR WITHOUT NEUTROPHILIC DERMATOSIS. Identifiers: Orphanet 77297, MedGen C1864997, MONDO:0012316, OMIM 609628.

Allele frequency attached by ClinVar (database versions not stated): gnomAD 0.00001 and 0.00002; TOPMed 0.00001.
gnomAD v4.1: 30 of 1,613,704 alleles (0.0019%); highest among the groups gnomAD compares: African/African-American, 0.0027%; no homozygotes.

Submissions (3):

PreventionGenetics, part of Exact Sciences
Classification: Likely benign for LPIN2-related condition. Last evaluated: 2026-07-29. Review status: criteria provided, single submitter. Criteria: ACMG Guidelines, 2015. Collection method: clinical testing. Allele origin: germline.
Comment: This variant is classified as likely benign based on ACMG/AMP sequence variant interpretation guidelines (Richards et al. 2015 PMID: 25741868, with internal and published modifications).

Labcorp Genetics (formerly Invitae), Labcorp
Classification: Likely benign for Majeed syndrome. Last evaluated: 2025-06-23. Review status: criteria provided, single submitter. Criteria: Invitae Variant Classification Sherloc (09022015). Collection method: clinical testing. Allele origin: germline.

Blueprint Genetics
Classification: Likely benign. Last evaluated: 2023-10-03. Review status: criteria provided, single submitter. Criteria: ACMG Guidelines, 2015. Collection method: clinical testing. Allele origin: germline.